The following is an entry in ClinVar:

NM_001042492.3(NF1):c.6427+5G>C

Gene: NF1 (neurofibromin 1; plus strand). Cytogenetic location: 17q11.2.
Variant type: single nucleotide variant.
Coding change: c.6427+5G>C on transcript NM_001042492.3 (MANE Select); 5 bases into the intron after coding-DNA position 6427, G replaced by C.
Molecular consequence: intron variant.
Genome position (GRCh38, 1-based): chr17:31,336,919, G>C. VCF-style: chr17-31336919-G-C. GRCh37 (hg19) VCF-style: chr17-29663937-G-C.
Other names: c.6364+5G>C (NM_000267.4).
Identifiers: ClinVar variation 996528 (VCV000996528.4), dbSNP rs1060500311, ClinGen allele CA2255601501.

ClinVar aggregate classification (germline): Conflicting classifications of pathogenicity. Review status: criteria provided, conflicting classifications (1 of 4 stars). 2 submissions from 2 submitters: Likely pathogenic (1); Uncertain significance (1). Last evaluated 2026-04-02.

Conditions:
Cardiovascular phenotype. Identifiers: MedGen CN230736.
Hereditary cancer-predisposing syndrome. Also called: Hereditary Cancer Syndrome; Neoplastic Syndromes, Hereditary; Tumor predisposition; Hereditary neoplastic syndrome. Identifiers: Orphanet 140162, MedGen C0027672, MeSH D009386, MONDO:0015356.
Neurofibromatosis, type 1 (NF1). Also called: Peripheral type neurofibromatosis; VON RECKLINGHAUSEN DISEASE; Neurofibromatosis, type I; NEUROFIBROMATOSIS, TYPE I, SOMATIC. Identifiers: Orphanet 636, MedGen C0027831, MONDO:0018975, OMIM 162200. Disease mechanism: loss of function.

Submissions (2):

Ambry Genetics
Classification: Likely pathogenic for Cardiovascular phenotype; Hereditary cancer-predisposing syndrome. Last evaluated: 2026-04-02. Review status: criteria provided, single submitter. Criteria: Ambry Variant Classification Scheme 2023. Collection method: clinical testing. Allele origin: germline.
Comment: The c.6364+5G>C intronic variant results from a G to C substitution 5 nucleotides after coding exon 41 in the NF1 gene. This variant was reported in individual(s) with neurofibromatosis type 1; in at least one individual, it was determined to be de novo (Spits C et al. Mol Hum Reprod, 2005 May;11:381-7; Vernimmen V et al. Hum Reprod, 2026 Feb;41:285-295). This nucleotide position is highly conserved in available vertebrate species. In silico splice site analysis predicts that this alteration will weaken the native splice donor site. RNA studies have demonstrated that this variant results in abnormal splicing in the set of samples tested (Ambry internal data). This variant is considered to be rare based on population cohorts in the Genome Aggregation Database (gnomAD). Based on the majority of available evidence to date, this variant is likely to be pathogenic.

Genome Diagnostics Laboratory, The Hospital for Sick Children
Classification: Uncertain significance for Neurofibromatosis, type 1. Last evaluated: 2020-10-26. Review status: criteria provided, single submitter. Criteria: ACMG Guidelines, 2015. Collection method: clinical testing. Allele origin: germline. Affected: yes.

Literature cited by the submitters: PubMed 15833774 (cited by Ambry Genetics); PubMed 41289058 (cited by Ambry Genetics).